The following is an entry in ClinVar:

NM_003183.6(ADAM17):c.*61del

Genes: IAH1 (isoamyl acetate hydrolyzing esterase 1 (putative); plus strand), ADAM17 (ADAM metallopeptidase domain 17; minus strand). Cytogenetic location: 2p25.1.
Variant type: Deletion.
Coding change: c.*61del on transcript NM_003183.6 (MANE Select); 61 bases downstream of the stop codon, one base deleted (A; older notation c.*61delA).
Molecular consequence: 3 prime UTR variant.
Genome position (GRCh38, 1-based): chr2:9,490,116, T deleted on the plus strand (A on the coding strand, the reverse complement: ADAM17 is on the minus strand); the first of 3 consecutive T bases (chr2:9,490,116-9,490,118); deleting any one gives the same sequence. VCF-style (leftmost placement, unchanged base first): chr2-9490115-AT-A. GRCh37 (hg19) VCF-style: chr2-9630244-AT-A.
Other names: c.*61del (NM_001382777.1, NM_001382778.1); c.*61delA (NM_003183.6).
Identifiers: ClinVar variation 1188896 (VCV001188896.6), dbSNP rs3833563, ClinGen allele CA42366578.
Genomic context (GRCh38, chr2:9,490,115, plus strand): 5'-ACACATGACCAGCATCTGCTAAGTCACTTCCCAGTCTTCACAAAATACAAGCTGTGATTG[AT>A]TTGTAGGTCAAATCTATAAAAATATTTTGCACACTTAAGTCAGAAGAGCTGAGAACTAAA-3'

ClinVar aggregate classification (germline): Benign. Review status: criteria provided, multiple submitters, no conflicts (2 of 4 stars). 3 submissions from 3 submitters: Benign (3). Last evaluated 2023-11-12.

Conditions:
Inflammatory skin and bowel disease, neonatal, 1. Identifiers: Orphanet 294023, MedGen C3280501, MONDO:0013693, OMIM 614328.

Submissions (3):

Unidad de Genómica Garrahan, Hospital de Pediatría Garrahan
Classification: Benign. Last evaluated: 2023-11-12. Review status: criteria provided, single submitter. Criteria: ACMG Guidelines, 2015. Collection method: clinical testing. Allele origin: germline. Affected: no. Observed: 54 variant alleles.
Comment: This variant is classified as Benign based on local population frequency. This variant was detected in 56% of patients studied by a panel of primary immunodeficiencies. Number of patients: 54. Only high quality variants are reported.

Genome-Nilou Lab
Classification: Benign for Inflammatory skin and bowel disease, neonatal, 1. Last evaluated: 2021-07-14. Review status: criteria provided, single submitter. Criteria: ACMG Guidelines, 2015. Collection method: clinical testing. Allele origin: germline. Affected: no.

GeneDx
Classification: Benign. Last evaluated: 2018-11-10. Review status: criteria provided, single submitter. Criteria: GeneDx Variant Classification Process June 2021. Collection method: clinical testing. Allele origin: germline. Affected: yes.